The following is an entry in ClinVar:

ClinVar aggregate classification (germline): Benign/Likely benign. Review status: criteria provided, multiple submitters, no conflicts (2 of 4 stars). 2 submissions from 2 submitters: Benign (1); Likely benign (1). Last evaluated 2025-08-02.

Allele frequency attached by ClinVar (database versions not stated): 1000 Genomes Project 30x 0.00344.
gnomAD v4.1: 598 of 1,598,580 alleles (0.037%); highest among the groups gnomAD compares: African/African-American, 0.71%; no homozygotes.

Submissions (2):

Ambry Genetics
Classification: Likely benign. Last evaluated: 2025-08-02. Review status: criteria provided, single submitter. Criteria: Ambry Variant Classification Scheme 2023. Collection method: clinical testing. Allele origin: germline.

CeGaT Center for Human Genetics Tuebingen
Classification: Benign. Last evaluated: 2023-04-01. Review status: criteria provided, single submitter. Criteria: CeGaT Center For Human Genetics Tuebingen Variant Classification Criteria Version 2. Collection method: clinical testing. Allele origin: germline. Affected: yes. Observed: 1 variant allele.
Comment: MUC5B: BP4, BS1, BS2

NM_002458.3(MUC5B):c.12074G>C (p.Arg4025Pro)

Genes: MUC5B (mucin 5B, oligomeric mucus/gel-forming; plus strand), MUC5B-AS1 (MUC5B antisense RNA 1; minus strand). Cytogenetic location: 11p15.5.
Variant type: single nucleotide variant.
Coding change: c.12074G>C on transcript NM_002458.3 (MANE Select); coding-DNA position 12074, G replaced by C.
Protein change: p.Arg4025Pro; replaces arginine 4025 with proline.
Molecular consequence: missense variant.
Genome position (GRCh38, 1-based): chr11:1,248,954, G>C. VCF-style: chr11-1248954-G-C. GRCh37 (hg19) VCF-style: chr11-1270184-G-C.
Other names: c.12074G>C (NM_002458.2); short protein forms R4025P.
Identifiers: ClinVar variation 2641283 (VCV002641283.25), dbSNP rs200048522, ClinGen allele CA5807861.
Genomic context (GRCh38, chr11:1,248,954, plus strand): 5'-CGAACACCACGGCCACCACACACGGGCGATCCCTGTCCCCCAGCAGTCCCCACACGGTGC[G>C]CACAGCCTGGACTTCGGCCACCTCAGGCACCTTGGGCACCACCCACATCACAGAGCCTTC-3'
Protein context (NP_002449.2, residues 4015-4035): SLSPSSPHTV[Arg4025Pro]TAWTSATSGT